The following is an entry in ClinVar:

NM_173500.4(TTBK2):c.3365C>A (p.Pro1122His)

Gene: TTBK2 (tau tubulin kinase 2; minus strand). Cytogenetic location: 15q15.2.
Variant type: single nucleotide variant.
Coding change: c.3365C>A on transcript NM_173500.4 (MANE Select); coding-DNA position 3365, C replaced by A.
Protein change: p.Pro1122His; replaces proline 1122 with histidine.
Molecular consequence: missense variant.
Genome position (GRCh38, 1-based): chr15:42,746,165, G>T on the plus strand (C>A on the coding strand, the complement: TTBK2 is on the minus strand). VCF-style: chr15-42746165-G-T. GRCh37 (hg19) VCF-style: chr15-43038363-G-T.
Other names: short protein forms P1122H.
Identifiers: ClinVar variation 5009775 (VCV005009775.1).

ClinVar aggregate classification (germline): Uncertain significance (1 of 4 stars; one submission).

Submission:

GeneDx
Classification: Uncertain significance. Last evaluated: 2026-02-19. Review status: criteria provided, single submitter. Criteria: GeneDx Variant Classification Process June 2021. Collection method: clinical testing. Allele origin: germline.
Comment: Not observed at significant frequency in large population cohorts (gnomAD); In silico analysis suggests that this missense variant does not alter protein structure/function; Has not been previously published as pathogenic or benign to our knowledge